The following is an entry in ClinVar:

NM_003119.4(SPG7):c.415C>T (p.Arg139Ter)

Gene: SPG7 (SPG7 matrix AAA peptidase subunit, paraplegin; plus strand). Cytogenetic location: 16q24.3.
Variant type: single nucleotide variant.
Coding change: c.415C>T on transcript NM_003119.4 (MANE Select); coding-DNA position 415, C replaced by T.
Protein change: p.Arg139Ter; replaces arginine 139 with a stop codon.
Molecular consequence: nonsense.
Genome position (GRCh38, 1-based): chr16:89,524,044, C>T. VCF-style: chr16-89524044-C-T. GRCh37 (hg19) VCF-style: chr16-89590452-C-T.
Other names: c.415C>T, p.Arg139Ter (NM_001363850.1, NM_199367.3); c.415C>T (NM_003119.2); short protein forms R139*.
Identifiers: ClinVar variation 1323645 (VCV001323645.23), dbSNP rs370777371, ClinGen allele CA8243632.

ClinVar aggregate classification (germline): Pathogenic/Likely pathogenic. Review status: criteria provided, multiple submitters, no conflicts (2 of 4 stars). 8 submissions from 8 submitters: Pathogenic (5); Likely pathogenic (2). 1 of the submissions does not count toward it. Last evaluated 2025-11-13.

Conditions:
Hereditary spastic paraplegia 7 (SPG7). Also called: SPG7-related neurologic disorder; Autosomal recessive spastic paraplegia type 7; SPASTIC PARAPLEGIA 7, AUTOSOMAL RECESSIVE, WITH OR WITHOUT CEREBELLAR ATAXIA; Spastic paraplegia 7; Hereditary spastic paraplegia Paraplegin type. Identifiers: Orphanet 99013, MedGen C1846564, MONDO:0011803, OMIM 607259.

Allele frequency attached by ClinVar (database versions not stated): gnomAD exomes 0.00001; TOPMed 0.00001; ExAC 0.00002; ESP Exome Variant Server 0.00008.
gnomAD v4.1: 13 of 1,613,556 alleles (0.00081%); highest among the groups gnomAD compares: South Asian, 0.0066%; no homozygotes.

Submissions (8):

Labcorp Genetics (formerly Invitae), Labcorp
Classification: Pathogenic for Hereditary spastic paraplegia 7. Last evaluated: 2025-11-13. Review status: criteria provided, single submitter. Criteria: Invitae Variant Classification Sherloc (09022015). Collection method: clinical testing. Allele origin: germline.
Comment: This sequence change creates a premature translational stop signal (p.Arg139*) in the SPG7 gene. It is expected to result in an absent or disrupted protein product. Loss-of-function variants in SPG7 are known to be pathogenic (PMID: 21623769, 22964162). This variant is present in population databases (rs370777371, gnomAD 0.007%). This premature translational stop signal has been observed in individual(s) with spastic paraplegia (PMID: 21623769). ClinVar contains an entry for this variant (Variation ID: 1323645). For these reasons, this variant has been classified as Pathogenic.

CeGaT Center for Human Genetics Tuebingen
Classification: Pathogenic. Last evaluated: 2024-10-01. Review status: criteria provided, single submitter. Criteria: CeGaT Center For Human Genetics Tuebingen Variant Classification Criteria Version 2. Collection method: clinical testing. Allele origin: germline. Affected: yes. Observed: 1 variant allele.
Comment: SPG7: PVS1, PM2, PM3

Neuberg Centre For Genomic Medicine, NCGM
Classification: Likely pathogenic for Hereditary spastic paraplegia 7. Last evaluated: 2023-02-14. Review status: criteria provided, single submitter. Criteria: ACMG Guidelines, 2015. Collection method: clinical testing. Allele origin: germline. Inheritance: Autosomal recessive inheritance. Affected: yes.

Mendelics
Classification: Pathogenic for Hereditary spastic paraplegia 7. Last evaluated: 2022-05-04. Review status: criteria provided, single submitter. Criteria: Mendelics Assertion Criteria 2019. Collection method: clinical testing. Allele origin: germline.

PROSPAX: an integrated multimodal progression  chart in spastic ataxias, Center for Neurology; Hertie-Institute for Clinical Brain Research
Classification: Likely pathogenic for Hereditary spastic paraplegia 7. Last evaluated: 2022-01-01. Review status: criteria provided, single submitter. Criteria: ACMG Guidelines, 2015. Collection method: research. Allele origin: germline. Affected: yes.
Comment: Variant seen in compound het: [c.1049_1077del;c.415C>T]

Revvity Omics, Revvity
Classification: Pathogenic for Hereditary spastic paraplegia 7. Last evaluated: 2021-11-02. Review status: criteria provided, single submitter. Criteria: ACMG Guidelines, 2015. Collection method: clinical testing. Allele origin: germline.

Imagene.me medical diagnostic laboratory, IMAGENE.ME SA
Classification: Pathogenic for Hereditary spastic paraplegia 7. Review status: criteria provided, single submitter. Criteria: IMAGENE.ME Variant Classification SOP 2022. Collection method: clinical testing. Allele origin: germline.
Comment: Classified according to the IMAGENE.ME variant classification SOP based on the ACMG guidelines as Pathogenic (P): PVS1 + PM2_Supporting + PM3

Molecular Genetics Laboratory, BC Children's and BC Women's Hospitals
Classification: Pathogenic for Hereditary spastic paraplegia 7. Last evaluated: 2025-03-14. Review status: no assertion criteria provided. Criteria: ACMG Guidelines, 2015. Collection method: clinical testing. Allele origin: maternal. Affected: yes. Not counted in ClinVar's aggregate classification.

Literature cited by the submitters: PubMed 21623769 (cited by Labcorp Genetics (formerly Invitae), Labcorp); PubMed 22964162 (cited by Labcorp Genetics (formerly Invitae), Labcorp).